The following is an entry in ClinVar:

NM_000551.4(VHL):c.340+815dup

Genes: VHL (von Hippel-Lindau tumor suppressor; plus strand), LOC107303340 (3p25 von Hippel-Lindau tumor suppressor, E3 ubiquitin protein ligase Alu-mediated recombination region; plus strand). Cytogenetic location: 3p25.3.
Variant type: Duplication.
Coding change: c.340+815dup on transcript NM_000551.4 (MANE Select); 815 bases into the intron after coding-DNA position 340, one base duplicated (T; older notation c.340+815dupT).
Molecular consequence: intron variant. On other transcripts: frameshift variant (1), stop lost (1).
Genome position (GRCh38, 1-based): chr3:10,143,002, T duplicated. VCF-style (leftmost placement, unchanged base first): chr3-10143001-G-GT. GRCh37 (hg19) VCF-style: chr3-10184685-G-GT.
Other names: c.580dup, p.Ter194LeuextTer? (NM_001354723.2); c.340+815dup (NM_198156.3).
Identifiers: ClinVar variation 2109925 (VCV002109925.4), dbSNP rs2470160348, ClinGen allele CA2580068452.

ClinVar aggregate classification (germline): Uncertain significance (1 of 4 stars; one submission).

Conditions:
Chuvash polycythemia. Also called: POLYCYTHEMIA, VHL-DEPENDENT. Identifiers: Orphanet 238557, MedGen C1837915, MONDO:0009892, OMIM 263400.
Von Hippel-Lindau syndrome (VHLS). Also called: von Hippel–Lindau syndrome; Von Hippel-Lindau; VHL syndrome. Identifiers: Orphanet 892, MedGen C0019562, MONDO:0008667, OMIM 193300. Disease mechanism: loss of function.

Submission:

Labcorp Genetics (formerly Invitae), Labcorp
Classification: Uncertain significance for Von Hippel-Lindau syndrome; Chuvash polycythemia. Last evaluated: 2025-01-01. Review status: criteria provided, single submitter. Criteria: Invitae Variant Classification Sherloc (09022015). Collection method: clinical testing. Allele origin: germline.
Comment: This sequence change falls in intron 1 of the VHL gene. It is not expected to change the encoded amino acid sequence of the VHL protein. However, this sequence change falls within a cryptic exon in the VHL gene, known as exon E1’, which is naturally expressed at low levels in several human tissues (PMID: 29891534). This variant is not present in population databases (gnomAD no frequency). This variant has not been reported in the literature in individuals affected with VHL-related conditions. ClinVar contains an entry for this variant (Variation ID: 2109925). Algorithms developed to predict the effect of sequence changes on RNA splicing suggest that this variant is not likely to affect RNA splicing. In summary, the available evidence is currently insufficient to determine the role of this variant in disease. Therefore, it has been classified as a Variant of Uncertain Significance.

Literature cited by the submitters: PubMed 29891534.